The following is an entry in ClinVar:

NM_022765.4(MICAL1):c.245G>A (p.Cys82Tyr)

Gene: MICAL1 (microtubule associated monooxygenase, calponin and LIM domain containing 1; minus strand). Cytogenetic location: 6q21.
Variant type: single nucleotide variant.
Coding change: c.245G>A on transcript NM_022765.4 (MANE Select); coding-DNA position 245, G replaced by A.
Protein change: p.Cys82Tyr; replaces cysteine 82 with tyrosine.
Molecular consequence: missense variant.
Genome position (GRCh38, 1-based): chr6:109,453,952, C>T on the plus strand (G>A on the coding strand, the complement: MICAL1 is on the minus strand). VCF-style: chr6-109453952-C-T. GRCh37 (hg19) VCF-style: chr6-109775155-C-T.
Other names: c.245G>A, p.Cys82Tyr (NM_001159291.2); c.302G>A, p.Cys101Tyr (NM_001286613.2); short protein forms C101Y, C82Y.
Identifiers: ClinVar variation 1559652 (VCV001559652.12), dbSNP rs767733510, ClinGen allele CA3953864.

ClinVar aggregate classification (germline): Likely benign. Review status: criteria provided, multiple submitters, no conflicts (2 of 4 stars). 2 submissions from 2 submitters: Likely benign (2). Last evaluated 2026-02-01.

Allele frequency attached by ClinVar (database versions not stated): gnomAD 0.00001 and 0.00011; TOPMed 0.00002; gnomAD exomes 0.00020 and 0.00032; 1000 Genomes Project 30x 0.00031; ExAC 0.00035.

Submissions (2):

CeGaT Center for Human Genetics Tuebingen
Classification: Likely benign. Last evaluated: 2026-02-01. Review status: criteria provided, single submitter. Criteria: CeGaT Center For Human Genetics Tuebingen Variant Classification Criteria Version 2. Collection method: clinical testing. Allele origin: germline. Affected: yes. Observed: 1 variant allele.
Comment: MICAL1: BS1

Labcorp Genetics (formerly Invitae), Labcorp
Classification: Likely benign. Last evaluated: 2025-11-17. Review status: criteria provided, single submitter. Criteria: Invitae Variant Classification Sherloc (09022015). Collection method: clinical testing. Allele origin: germline.